The following is an entry in ClinVar:

NM_004826.4(ECEL1):c.2266C>T (p.Arg756Trp)

Gene: ECEL1 (endothelin converting enzyme like 1; minus strand). Cytogenetic location: 2q37.1.
Variant type: single nucleotide variant.
Coding change: c.2266C>T on transcript NM_004826.4 (MANE Select); coding-DNA position 2266, C replaced by T.
Protein change: p.Arg756Trp; replaces arginine 756 with tryptophan.
Molecular consequence: missense variant.
Genome position (GRCh38, 1-based): chr2:232,480,215, G>A on the plus strand (C>T on the coding strand, the complement: ECEL1 is on the minus strand). VCF-style: chr2-232480215-G-A. GRCh37 (hg19) VCF-style: chr2-233344925-G-A.
Other names: c.2260C>T, p.Arg754Trp (NM_001290787.2); short protein forms R754W, R756W.
Identifiers: ClinVar variation 1254457 (VCV001254457.6), dbSNP rs147861587, ClinGen allele CA2166854.
Genomic context (GRCh38, chr2:232,480,215, plus strand): 5'-ACCACACGGAACACTTGTGGGCAGGGTTCATGGGTGAGTCCTTGGGACAGTGGAAAGCCC[G>A]GCCAAACTCCTCAAACTGGGACACACTGCCCAGCACCCTGGGGTGGGGAGAGACCCACAC-3'
Protein context (NP_004817.2, residues 746-766): GSVSQFEEFG[Arg756Trp]AFHCPKDSPM

ClinVar aggregate classification (germline): Uncertain significance. Review status: criteria provided, multiple submitters, no conflicts (2 of 4 stars). 2 submissions from 2 submitters: Uncertain significance (2). Last evaluated 2024-09-09.

Conditions:
Inborn genetic diseases. Identifiers: MedGen C0950123, MeSH D030342.

Allele frequency attached by ClinVar (database versions not stated): 1000 Genomes Project 30x 0.00016; 1000 Genomes Project 0.00020; ExAC 0.00023; gnomAD exomes 0.00025 and 0.00042; TOPMed 0.00033; gnomAD 0.00040 and 0.00042; ESP Exome Variant Server 0.00054.
gnomAD v4.1: 667 of 1,614,022 alleles (0.041%); highest among the groups gnomAD compares: Non-Finnish European, 0.053%; no homozygotes.

Submissions (2):

Ambry Genetics
Classification: Uncertain significance for Inborn genetic diseases. Last evaluated: 2024-09-09. Review status: criteria provided, single submitter. Criteria: Ambry Variant Classification Scheme 2023. Collection method: clinical testing. Allele origin: germline.

GeneDx
Classification: Uncertain significance. Last evaluated: 2021-07-29. Review status: criteria provided, single submitter. Criteria: GeneDx Variant Classification Process June 2021. Collection method: clinical testing. Allele origin: germline. Affected: yes.
Comment: In silico analysis supports that this missense variant has a deleterious effect on protein structure/function; Has not been previously published as pathogenic or benign to our knowledge